The following is an entry in ClinVar:

ClinVar aggregate classification (germline): Uncertain significance (1 of 4 stars; one submission).

gnomAD v4.1: 3 of 1,613,866 alleles (0.00019%); highest among the groups gnomAD compares: African/African-American, 0.0027%; no homozygotes.

Submission:

Labcorp Genetics (formerly Invitae), Labcorp
Classification: Uncertain significance. Last evaluated: 2025-05-12. Review status: criteria provided, single submitter. Criteria: Invitae Variant Classification Sherloc (09022015). Collection method: clinical testing. Allele origin: germline.
Comment: This sequence change replaces aspartic acid, which is acidic and polar, with asparagine, which is neutral and polar, at codon 200 of the PROM1 protein (p.Asp200Asn). This variant is not present in population databases (gnomAD no frequency). This variant has not been reported in the literature in individuals affected with PROM1-related conditions. ClinVar contains an entry for this variant (Variation ID: 3666257). Invitae Evidence Modeling of protein sequence and biophysical properties (such as structural, functional, and spatial information, amino acid conservation, physicochemical variation, residue mobility, and thermodynamic stability) indicates that this missense variant is expected to disrupt PROM1 protein function with a positive predictive value of 80%. In summary, the available evidence is currently insufficient to determine the role of this variant in disease. Therefore, it has been classified as a Variant of Uncertain Significance.

NM_006017.3(PROM1):c.598G>A (p.Asp200Asn)

Gene: PROM1 (prominin 1; minus strand). Cytogenetic location: 4p15.32.
Variant type: single nucleotide variant.
Coding change: c.598G>A on transcript NM_006017.3 (MANE Select); coding-DNA position 598, G replaced by A.
Protein change: p.Asp200Asn; replaces aspartic acid 200 with asparagine.
Molecular consequence: missense variant.
Genome position (GRCh38, 1-based): chr4:16,025,224, C>T on the plus strand (G>A on the coding strand, the complement: PROM1 is on the minus strand). VCF-style: chr4-16025224-C-T. GRCh37 (hg19) VCF-style: chr4-16026847-C-T.
Other names: c.571G>A, p.Asp191Asn (NM_001371407.1, NM_001371408.1, NM_001145847.2 and 4 more transcripts); c.598G>A, p.Asp200Asn (NM_001145849.2, NM_001145850.2); short protein forms D200N, D191N.
Identifiers: ClinVar variation 3666257 (VCV003666257.2).